The following is an entry in ClinVar:

ClinVar aggregate classification (germline): Uncertain significance. Review status: criteria provided, multiple submitters, no conflicts (2 of 4 stars). 3 submissions from 3 submitters: Uncertain significance (3). Last evaluated 2026-07-29.

Conditions:
Tuberous sclerosis 2 (TSC2). Identifiers: Orphanet 805, MedGen C1860707, MONDO:0013199, OMIM 613254.
Tuberous sclerosis syndrome (TSC). Also called: Tuberous sclerosis; Tuberous Sclerosis Complex. Identifiers: Orphanet 805, MedGen C0041341, MONDO:0001734.
Hereditary cancer-predisposing syndrome. Also called: Hereditary Cancer Syndrome; Hereditary neoplastic syndrome; Neoplastic Syndromes, Hereditary; Tumor predisposition. Identifiers: Orphanet 140162, MedGen C0027672, MeSH D009386, MONDO:0015356.

Submissions (3):

Ambry Genetics
Classification: Uncertain significance for Hereditary cancer-predisposing syndrome. Last evaluated: 2026-07-29. Review status: criteria provided, single submitter. Criteria: Ambry Variant Classification Scheme 2023. Collection method: clinical testing. Allele origin: germline.
Comment: The p.Y875H variant (also known as c.2623T>C), located in coding exon 22 of the TSC2 gene, results from a T to C substitution at nucleotide position 2623. The tyrosine at codon 875 is replaced by histidine, an amino acid with similar properties. This amino acid position is conserved. In addition, this alteration is predicted to be deleterious by in silico analysis. Based on the available evidence, the clinical significance of this variant remains unclear.

Labcorp Genetics (formerly Invitae), Labcorp
Classification: Uncertain significance for Tuberous sclerosis 2. Last evaluated: 2026-01-19. Review status: criteria provided, single submitter. Criteria: Invitae Variant Classification Sherloc (09022015). Collection method: clinical testing. Allele origin: germline.
Comment: This sequence change replaces tyrosine, which is neutral and polar, with histidine, which is basic and polar, at codon 875 of the TSC2 protein (p.Tyr875His). This variant is not present in population databases (gnomAD no frequency). This variant has not been reported in the literature in individuals affected with TSC2-related conditions. ClinVar contains an entry for this variant (Variation ID: 2786165). Invitae Evidence Modeling of protein sequence and biophysical properties (such as structural, functional, and spatial information, amino acid conservation, physicochemical variation, residue mobility, and thermodynamic stability) indicates that this missense variant is not expected to disrupt TSC2 protein function with a negative predictive value of 95%. This variant disrupts the p.Tyr875 amino acid residue in TSC2. Other variant(s) that disrupt this residue have been determined to be pathogenic (internal data). This suggests that this residue is clinically significant, and that variants that disrupt this residue are likely to be disease-causing. In summary, the available evidence is currently insufficient to determine the role of this variant in disease. Therefore, it has been classified as a Variant of Uncertain Significance.

All of Us Research Program, National Institutes of Health
Classification: Uncertain significance for Tuberous sclerosis syndrome. Last evaluated: 2023-04-03. Review status: criteria provided, single submitter. Criteria: ACMG Guidelines, 2015. Collection method: clinical testing. Allele origin: germline. Inheritance: Autosomal dominant inheritance. Observed: 1 variant allele, 1 heterozygote.
Comment: This missense variant replaces tyrosine with histidine at codon 875 of the TSC2 protein. Computational prediction suggests that this variant may have deleterious impact on protein structure and function (internally defined REVEL score threshold >= 0.7, PMID: 27666373). To our knowledge, functional studies have not been reported for this variant. This variant has not been reported in individuals affected with TSC2-related disorders in the literature. This variant has not been identified in the general population by the Genome Aggregation Database (gnomAD). The available evidence is insufficient to determine the role of this variant in disease conclusively. Therefore, this variant is classified as a Variant of Uncertain Significance.

This study involves interpretation of variants in research participants for the purpose of population health screening. Participant phenotype was not available at the time of variant classification. Additional details can be found in publication PMID: 35346344, PMCID: PMC8962531

NM_000548.5(TSC2):c.2623T>C (p.Tyr875His)

Gene: TSC2 (TSC complex subunit 2; plus strand). Cytogenetic location: 16p13.3.
Variant type: single nucleotide variant.
Coding change: c.2623T>C on transcript NM_000548.5 (MANE Select); coding-DNA position 2623, T replaced by C.
Protein change: p.Tyr875His; replaces tyrosine 875 with histidine.
Molecular consequence: missense variant. On other transcripts: non-coding transcript variant (5).
Genome position (GRCh38, 1-based): chr16:2,075,876, T>C. VCF-style: chr16-2075876-T-C. GRCh37 (hg19) VCF-style: chr16-2125877-T-C.
Other names: c.2623T>C, p.Tyr875His (NM_001077183.3, NM_001114382.3, NM_001363528.2 and 6 more transcripts); c.2512T>C, p.Tyr838His (NM_001318827.2, NM_001406670.1, NM_001406678.1); c.2476T>C, p.Tyr826His (NM_001318829.2, NM_001406675.1, NM_001406676.1 and 1 more transcripts); c.2023T>C, p.Tyr675His (NM_001318831.2, NM_001406680.1, NM_001406682.1 and 6 more transcripts); c.2656T>C, p.Tyr886His (NM_001318832.2); c.2713T>C, p.Tyr905His (NM_001406667.1, NM_001406668.1); c.2611T>C, p.Tyr871His (NM_001406671.1, NM_001406673.1); c.2566T>C, p.Tyr856His (NM_001406677.1); and 3 more; short protein forms Y856H, Y875H, Y886H, Y341H, Y826H, Y838H, Y905H, Y675H.
Identifiers: ClinVar variation 2786165 (VCV002786165.6), dbSNP rs2089272680, ClinGen allele CA394278454.